The following is an entry in ClinVar:

NM_001211.6(BUB1B):c.2213G>A (p.Ser738Asn)

Gene: BUB1B (BUB1 mitotic checkpoint serine/threonine kinase B; plus strand). Cytogenetic location: 15q15.1.
Variant type: single nucleotide variant.
Coding change: c.2213G>A on transcript NM_001211.6 (MANE Select); coding-DNA position 2213, G replaced by A.
Protein change: p.Ser738Asn; replaces serine 738 with asparagine.
Molecular consequence: missense variant.
Genome position (GRCh38, 1-based): chr15:40,209,704, G>A. VCF-style: chr15-40209704-G-A. GRCh37 (hg19) VCF-style: chr15-40501905-G-A.
Other names: short protein forms S738N.
Identifiers: ClinVar variation 2565480 (VCV002565480.2), dbSNP rs2542571779, ClinGen allele CA391694393.
Genomic context (GRCh38, chr15:40,209,704, plus strand): 5'-CTCAGTCACCATGGTGTTCACAGTATCGCAGACAGCTACTGAAGTCCCTACCAGAGTTAA[G>A]TGCCTCTGCAGAGTTGTGTATAGAAGACAGACCAATGCCTAAGTTGGAAATTGAGAAGGA-3'
Protein context (NP_001202.5, residues 728-748): RQLLKSLPEL[Ser738Asn]ASAELCIEDR

ClinVar aggregate classification (germline): Uncertain significance (1 of 4 stars; one submission).

Conditions:
Inborn genetic diseases. Identifiers: MedGen C0950123, MeSH D030342.

Submission:

Ambry Genetics
Classification: Uncertain significance for Inborn genetic diseases. Last evaluated: 2023-06-09. Review status: criteria provided, single submitter. Criteria: Ambry Variant Classification Scheme 2023. Collection method: clinical testing. Allele origin: germline.
Comment: The p.S738N variant (also known as c.2213G>A), located in coding exon 17 of the BUB1B gene, results from a G to A substitution at nucleotide position 2213. The serine at codon 738 is replaced by asparagine, an amino acid with highly similar properties. This amino acid position is conserved. In addition, this alteration is predicted to be tolerated by in silico analysis. Since supporting evidence is limited at this time, the clinical significance of this alteration remains unclear.